The following is an entry in ClinVar:

ClinVar aggregate classification (germline): Uncertain significance (1 of 4 stars; one submission).

Conditions:
Arrhythmogenic cardiomyopathy with wooly hair and keratoderma. Also called: Dilated cardiomyopathy with woolly hair and keratoderma; Carvajal syndrome; PALMOPLANTAR KERATODERMA WITH LEFT VENTRICULAR CARDIOMYOPATHY AND WOOLLY HAIR; Arrhythmogenic cardiomyopathy with woolly hair and keratoderma. Identifiers: Orphanet 65282, MedGen C1854063, MONDO:0011581, OMIM 605676.
Arrhythmogenic right ventricular dysplasia 8 (ARVD8). Also called: Arrhythmogenic Right Ventricular Dysplasia/Cardiomyopathy 8; ARRHYTHMOGENIC RIGHT VENTRICULAR DYSPLASIA, FAMILIAL, 8; ARRHYTHMOGENIC RIGHT VENTRICULAR CARDIOMYOPATHY 8. Identifiers: MedGen C1843896, MONDO:0011831, OMIM 607450.

Submission:

Labcorp Genetics (formerly Invitae), Labcorp
Classification: Uncertain significance for Arrhythmogenic cardiomyopathy with wooly hair and keratoderma; Arrhythmogenic right ventricular dysplasia 8. Last evaluated: 2022-02-02. Review status: criteria provided, single submitter. Criteria: Invitae Variant Classification Sherloc (09022015). Collection method: clinical testing. Allele origin: germline.
Comment: In summary, the available evidence is currently insufficient to determine the role of this variant in disease. Therefore, it has been classified as a Variant of Uncertain Significance. Algorithms developed to predict the effect of missense changes on protein structure and function are either unavailable or do not agree on the potential impact of this missense change (SIFT: "Deleterious"; PolyPhen-2: "Possibly Damaging"; Align-GVGD: "Class C0"). This variant has not been reported in the literature in individuals affected with DSP-related conditions. This variant is not present in population databases (gnomAD no frequency). This sequence change replaces alanine, which is neutral and non-polar, with valine, which is neutral and non-polar, at codon 2806 of the DSP protein (p.Ala2806Val).

NM_004415.4(DSP):c.8417C>T (p.Ala2806Val)

Gene: DSP (desmoplakin; plus strand). Cytogenetic location: 6p24.3.
Variant type: single nucleotide variant.
Coding change: c.8417C>T on transcript NM_004415.4 (MANE Select); coding-DNA position 8417, C replaced by T.
Protein change: p.Ala2806Val; replaces alanine 2806 with valine.
Molecular consequence: missense variant.
Genome position (GRCh38, 1-based): chr6:7,585,679, C>T. VCF-style: chr6-7585679-C-T. GRCh37 (hg19) VCF-style: chr6-7585912-C-T.
Other names: c.6620C>T, p.Ala2207Val (NM_001008844.3); c.7088C>T, p.Ala2363Val (NM_001319034.2); short protein forms A2207V, A2363V, A2806V.
Identifiers: ClinVar variation 2186899 (VCV002186899.4), dbSNP rs2533951662, ClinGen allele CA362695106.
Genomic context (GRCh38, chr6:7,585,679, plus strand): 5'-AGGATGCCATAAATCGCTCCATGGTAGAAGATATCACTGGGCTGCGCCTTCTGGAAGCCG[C>T]CTCCGTGTCGTCCAAGGGCTTACCCAGCCCTTACAACATGTCTTCGGCTCCGGGGTCCCG-3'
Protein context (NP_004406.2, residues 2796-2816): DITGLRLLEA[Ala2806Val]SVSSKGLPSP